The following is an entry in ClinVar:

ClinVar aggregate classification (germline): Uncertain significance (1 of 4 stars; one submission).

Conditions:
Charcot-Marie-Tooth disease type 2R. Also called: CHARCOT-MARIE-TOOTH DISEASE, AXONAL, AUTOSOMAL RECESSIVE, TYPE 2R; Charcot-Marie-Tooth disease, axonal, type 2R; CHARCOT-MARIE-TOOTH NEUROPATHY, TYPE 2R. Identifiers: Orphanet 397968, MedGen C3809655, MONDO:0014208, OMIM 615490.

Submission:

Labcorp Genetics (formerly Invitae), Labcorp
Classification: Uncertain significance for Charcot-Marie-Tooth disease type 2R. Last evaluated: 2023-11-16. Review status: criteria provided, single submitter. Criteria: Invitae Variant Classification Sherloc (09022015). Collection method: clinical testing. Allele origin: germline.
Comment: This sequence change replaces methionine, which is neutral and non-polar, with isoleucine, which is neutral and non-polar, at codon 344 of the TRIM2 protein (p.Met344Ile). This variant is not present in population databases (gnomAD no frequency). This variant has not been reported in the literature in individuals affected with TRIM2-related conditions. An algorithm developed to predict the effect of missense changes on protein structure and function (PolyPhen-2) suggests that this variant is likely to be tolerated. In summary, the available evidence is currently insufficient to determine the role of this variant in disease. Therefore, it has been classified as a Variant of Uncertain Significance.

NM_015271.5(TRIM2):c.1113G>C (p.Met371Ile)

Gene: TRIM2 (tripartite motif containing 2; plus strand). Cytogenetic location: 4q31.3.
Variant type: single nucleotide variant.
Coding change: c.1113G>C on transcript NM_015271.5 (MANE Select); coding-DNA position 1113, G replaced by C.
Protein change: p.Met371Ile; replaces methionine 371 with isoleucine.
Molecular consequence: missense variant.
Genome position (GRCh38, 1-based): chr4:153,295,639, G>C. VCF-style: chr4-153295639-G-C. GRCh37 (hg19) VCF-style: chr4-154216791-G-C.
Other names: c.1032G>C, p.Met344Ile (NM_001130067.2, NM_001351056.2, NM_001375512.1 and 5 more transcripts); c.1086G>C, p.Met362Ile (NM_001351054.2); c.1083G>C, p.Met361Ile (NM_001351055.2); c.657G>C, p.Met219Ile (NM_001351057.2); c.1206G>C, p.Met402Ile (NM_001375488.1); c.1203G>C, p.Met401Ile (NM_001375489.1); c.1056G>C, p.Met352Ile (NM_001375490.1); c.1053G>C, p.Met351Ile (NM_001375491.1); and 3 more; short protein forms M260I, M352I, M361I, M402I, M362I, M219I, M258I, M344I.
Identifiers: ClinVar variation 2768192 (VCV002768192.3), dbSNP rs761644850, ClinGen allele CA358472993.